The following is an entry in ClinVar:

NM_001032283.3(TMPO):c.461C>T (p.Thr154Ile)

Gene: TMPO (thymopoietin; plus strand). Cytogenetic location: 12q23.1.
Variant type: single nucleotide variant.
Coding change: c.461C>T on transcript NM_001032283.3 (MANE Select); coding-DNA position 461, C replaced by T.
Protein change: p.Thr154Ile; replaces threonine 154 with isoleucine.
Molecular consequence: missense variant.
Genome position (GRCh38, 1-based): chr12:98,531,734, C>T. VCF-style: chr12-98531734-C-T. GRCh37 (hg19) VCF-style: chr12-98925512-C-T.
Other names: c.461C>T, p.Thr154Ile (NM_001032284.3, NM_001307975.2, NM_003276.2); short protein forms T154I.
Identifiers: ClinVar variation 4187416 (VCV004187416.1).

ClinVar aggregate classification (germline): Uncertain significance (1 of 4 stars; one submission).

gnomAD v4.1: 2 of 1,613,558 alleles (0.00012%); highest among the groups gnomAD compares: South Asian, 0.0022%; no homozygotes.

Submission:

Ambry Genetics
Classification: Uncertain significance. Last evaluated: 2025-06-28. Review status: criteria provided, single submitter. Criteria: Ambry Variant Classification Scheme 2023. Collection method: clinical testing. Allele origin: germline.
Comment: The p.T154I variant (also known as c.461C>T), located in coding exon 3 of the TMPO gene, results from a C to T substitution at nucleotide position 461. The threonine at codon 154 is replaced by isoleucine, an amino acid with similar properties. This amino acid position is conserved. In addition, this alteration is predicted to be tolerated by in silico analysis. Based on the available evidence, the clinical significance of this variant remains unclear.